The following is an entry in ClinVar:

NM_000059.4(BRCA2):c.8786T>G (p.Leu2929Trp)

Gene: BRCA2 (BRCA2 DNA repair associated; plus strand). Cytogenetic location: 13q13.1.
Variant type: single nucleotide variant.
Coding change: c.8786T>G on transcript NM_000059.4 (MANE Select); coding-DNA position 8786, T replaced by G.
Protein change: p.Leu2929Trp; replaces leucine 2929 with tryptophan.
Molecular consequence: missense variant.
Genome position (GRCh38, 1-based): chr13:32,379,348, T>G. VCF-style: chr13-32379348-T-G. GRCh37 (hg19) VCF-style: chr13-32953485-T-G.
Other names: short protein forms L2929W.
Identifiers: ClinVar variation 669147 (VCV000669147.2), dbSNP rs1593936564, ClinGen allele CA387755879.

ClinVar aggregate classification (germline): Likely benign. Review status: criteria provided, multiple submitters, no conflicts (2 of 4 stars). 2 submissions from 2 submitters: Likely benign (2). Last evaluated 2025-06-06.

Conditions:
Breast-ovarian cancer, familial, susceptibility to, 2 (BROVCA2). Also called: BRCA2 Hereditary Breast and Ovarian Cancer. Identifiers: Orphanet 145, MedGen C2675520, MONDO:0012933, OMIM 612555. Disease mechanism: loss of function.

Submissions (2):

Molecular Pathology, Peter Maccallum Cancer Centre
Classification: Likely benign for Breast-ovarian cancer, familial, susceptibility to, 2. Last evaluated: 2025-06-06. Review status: criteria provided, single submitter. Criteria: ACMG Guidelines, 2015. Collection method: clinical testing. Allele origin: germline. Inheritance: Autosomal dominant inheritance.

GeneDx
Classification: Likely benign. Last evaluated: 2018-05-29. Review status: criteria provided, single submitter. Criteria: GeneDx Variant Classification (06012015). Collection method: clinical testing. Allele origin: germline. Affected: yes.
Comment: This variant is considered likely benign or benign based on one or more of the following criteria: it is a conservative change, it occurs at a poorly conserved position in the protein, it is predicted to be benign by multiple in silico algorithms, and/or has population frequency not consistent with disease.